The following is an entry in ClinVar:

NM_012193.4(FZD4):c.811G>A (p.Val271Ile)

Genes: FZD4 (frizzled class receptor 4; minus strand), PRSS23 (serine protease 23; plus strand). Cytogenetic location: 11q14.2.
Variant type: single nucleotide variant.
Coding change: c.811G>A on transcript NM_012193.4 (MANE Select); coding-DNA position 811, G replaced by A.
Protein change: p.Val271Ile; replaces valine 271 with isoleucine.
Molecular consequence: missense variant. On other transcripts: non-coding transcript variant (2).
Genome position (GRCh38, 1-based): chr11:86,951,945, C>T on the plus strand (G>A on the coding strand, the complement: FZD4 is on the minus strand). VCF-style: chr11-86951945-C-T. GRCh37 (hg19) VCF-style: chr11-86662987-C-T.
Other names: short protein forms V271I.
Identifiers: ClinVar variation 3648835 (VCV003648835.2).

ClinVar aggregate classification (germline): Uncertain significance (1 of 4 stars; one submission).

Submission:

Labcorp Genetics (formerly Invitae), Labcorp
Classification: Uncertain significance. Last evaluated: 2024-04-10. Review status: criteria provided, single submitter. Criteria: Invitae Variant Classification Sherloc (09022015). Collection method: clinical testing. Allele origin: germline.
Comment: This sequence change replaces valine, which is neutral and non-polar, with isoleucine, which is neutral and non-polar, at codon 271 of the FZD4 protein (p.Val271Ile). This variant is not present in population databases (gnomAD no frequency). This variant has not been reported in the literature in individuals affected with FZD4-related conditions. Advanced modeling of protein sequence and biophysical properties (such as structural, functional, and spatial information, amino acid conservation, physicochemical variation, residue mobility, and thermodynamic stability) performed at Invitae indicates that this missense variant is not expected to disrupt FZD4 protein function with a negative predictive value of 80%. In summary, the available evidence is currently insufficient to determine the role of this variant in disease. Therefore, it has been classified as a Variant of Uncertain Significance.